The following is an entry in ClinVar:

NM_016097.5(IER3IP1):c.2T>A (p.Met1Lys)

Genes: IER3IP1 (immediate early response 3 interacting protein 1; minus strand), LOC130062441 (ATAC-STARR-seq lymphoblastoid active region 13285; plus strand). Cytogenetic location: 18q21.1.
Variant type: single nucleotide variant.
Coding change: c.2T>A on transcript NM_016097.5 (MANE Select); coding-DNA position 2, T replaced by A.
Protein change: p.Met1Lys; changes the start codon (methionine 1).
Molecular consequence: missense variant, initiator codon variant.
Genome position (GRCh38, 1-based): chr18:47,176,276, A>T on the plus strand (T>A on the coding strand, the complement: IER3IP1 is on the minus strand). VCF-style: chr18-47176276-A-T. GRCh37 (hg19) VCF-style: chr18-44702647-A-T.
Other names: short protein forms M1K.
Identifiers: ClinVar variation 656356 (VCV000656356.10), dbSNP rs983642731, ClinGen allele CA402493273.
Genomic context (GRCh38, chr18:47,176,276, plus strand): 5'-ACTGCGATGGCGTTGACGCAGAGCAGGGCTGCCTGCAGCAGTGAGTACAGGGTAAAGGCC[A>T]TGGCCGTCCGAGGCCGCCCCGAAGTCCAAGCGATTTCTCTCCCGCCGCCGCAAGGGACGT-3'
Protein context (NP_057181.1, residues 1-11): [Met1Lys]AFTLYSLLQA

ClinVar aggregate classification (germline): Uncertain significance (1 of 4 stars; one submission).

Conditions:
Microcephaly, epilepsy, and diabetes syndrome. Identifiers: Orphanet 306558, MedGen C3280240, MONDO:0100328.

Allele frequency attached by ClinVar (database versions not stated): gnomAD exomes below 0.00001.

Submission:

Labcorp Genetics (formerly Invitae), Labcorp
Classification: Uncertain significance for Microcephaly, epilepsy, and diabetes syndrome. Last evaluated: 2019-06-26. Review status: criteria provided, single submitter. Criteria: Invitae Variant Classification Sherloc (09022015). Collection method: clinical testing. Allele origin: germline.
Comment: In summary, the available evidence is currently insufficient to determine the role of this variant in disease. Therefore, it has been classified as a Variant of Uncertain Significance. The current clinical and genetic evidence is not sufficient to establish whether loss-of-function variants in IER3IP1 cause disease. This variant has not been reported in the literature in individuals with IER3IP1-related disease. This variant is not present in population databases (ExAC no frequency). This sequence change affects the initiator methionine of the IER3IP1 mRNA. The next in-frame methionine is located at codon 53.